The following is an entry in ClinVar:

ClinVar aggregate classification (germline): Uncertain significance. Review status: criteria provided, multiple submitters, no conflicts (2 of 4 stars). 2 submissions from 2 submitters: Uncertain significance (2). Last evaluated 2026-01-23.

Conditions:
Neonatal-onset encephalopathy with rigidity and seizures. Also called: Lethal neonatal spasticity-epileptic encephalopathy syndrome. Identifiers: Orphanet 435845, MedGen C3281029, MONDO:0013784, OMIM 614498.

Allele frequency attached by ClinVar (database versions not stated): TOPMed 0.00001.

Submissions (2):

GeneDx
Classification: Uncertain significance. Last evaluated: 2026-01-23. Review status: criteria provided, single submitter. Criteria: GeneDx Variant Classification Process June 2021. Collection method: clinical testing. Allele origin: germline.
Comment: Not observed at significant frequency in large population cohorts (gnomAD); In silico analysis supports that this missense variant has a deleterious effect on protein structure/function; Has not been previously published as pathogenic or benign to our knowledge; In silico analysis suggests this variant may impact gene splicing. In the absence of RNA/functional studies, the actual effect of this sequence change is unknown.

Labcorp Genetics (formerly Invitae), Labcorp
Classification: Uncertain significance for Neonatal-onset encephalopathy with rigidity and seizures. Last evaluated: 2019-04-02. Review status: criteria provided, single submitter. Criteria: Invitae Variant Classification Sherloc (09022015). Collection method: clinical testing. Allele origin: germline.
Comment: This sequence change replaces alanine with valine at codon 563 of the BRAT1 protein (p.Ala563Val). The alanine residue is highly conserved and there is a small physicochemical difference between alanine and valine. In summary, the available evidence is currently insufficient to determine the role of this variant in disease. Therefore, it has been classified as a Variant of Uncertain Significance. Algorithms developed to predict the effect of sequence changes on RNA splicing suggest that this variant may create or strengthen a splice site, but this prediction has not been confirmed by published transcriptional studies. Algorithms developed to predict the effect of missense changes on protein structure and function (SIFT, PolyPhen-2, Align-GVGD) all suggest that this variant is likely to be disruptive, but these predictions have not been confirmed by published functional studies and their clinical significance is uncertain. This variant has not been reported in the literature in individuals with BRAT1-related conditions. This variant is not present in population databases (ExAC no frequency).

NM_152743.4(BRAT1):c.1688C>T (p.Ala563Val)

Gene: BRAT1 (BRCA1 associated ATM activator 1; minus strand). Cytogenetic location: 7p22.3.
Variant type: single nucleotide variant.
Coding change: c.1688C>T on transcript NM_152743.4 (MANE Select); coding-DNA position 1688, C replaced by T.
Protein change: p.Ala563Val; replaces alanine 563 with valine.
Molecular consequence: missense variant. On other transcripts: non-coding transcript variant (1).
Genome position (GRCh38, 1-based): chr7:2,539,261, G>A on the plus strand (C>T on the coding strand, the complement: BRAT1 is on the minus strand). VCF-style: chr7-2539261-G-A. GRCh37 (hg19) VCF-style: chr7-2578895-G-A.
Other names: c.1688C>T, p.Ala563Val (NM_001350626.2); c.1163C>T, p.Ala388Val (NM_001350627.2); short protein forms A388V, A563V.
Identifiers: ClinVar variation 845683 (VCV000845683.10), dbSNP rs770727459, ClinGen allele CA366627245.